The following is an entry in ClinVar:

NM_000018.4(ACADVL):c.1540G>A (p.Gly514Arg)

Gene: ACADVL (acyl-CoA dehydrogenase very long chain; plus strand). Cytogenetic location: 17p13.1.
Variant type: single nucleotide variant.
Coding change: c.1540G>A on transcript NM_000018.4 (MANE Select); coding-DNA position 1540, G replaced by A.
Protein change: p.Gly514Arg; replaces glycine 514 with arginine.
Molecular consequence: missense variant.
Genome position (GRCh38, 1-based): chr17:7,224,328, G>A. VCF-style: chr17-7224328-G-A. GRCh37 (hg19) VCF-style: chr17-7127647-G-A.
Other names: c.1474G>A, p.Gly492Arg (NM_001033859.3); c.1609G>A, p.Gly537Arg (NM_001270447.2); c.1312G>A, p.Gly438Arg (NM_001270448.2); c.1540G>A (NM_000018.3); short protein forms G438R, G492R, G514R, G537R.
Identifiers: ClinVar variation 1330697 (VCV001330697.15), dbSNP rs370282954, ClinGen allele CA8338151.

ClinVar aggregate classification (germline): Conflicting classifications of pathogenicity. Review status: criteria provided, conflicting classifications (1 of 4 stars). 3 submissions from 3 submitters: Pathogenic (1); Uncertain significance (2). Last evaluated 2025-04-14.

Conditions:
Very long chain acyl-CoA dehydrogenase deficiency (ACADVLD). Also called: Very Long-Chain Acyl-Coenzyme A Dehydrogenase Deficiency; VLCAD Deficiency. Identifiers: Orphanet 26793, MedGen C3887523, MONDO:0008723, OMIM 201475.

Allele frequency attached by ClinVar (database versions not stated): gnomAD exomes below 0.00001 and 0.00001; TOPMed 0.00001; ExAC 0.00002; ESP Exome Variant Server 0.00008.

Submissions (3):

Women's Health and Genetics/Laboratory Corporation of America, LabCorp
Classification: Uncertain significance. Last evaluated: 2025-04-14. Review status: criteria provided, single submitter. Criteria: LabCorp Variant Classification Summary - May 2015. Collection method: clinical testing. Allele origin: germline.
Comment: Variant summary: ACADVL c.1540G>A (p.Gly514Arg) results in a non-conservative amino acid change in the encoded protein sequence. Four of five in-silico tools predict a damaging effect of the variant on protein function. The variant allele was found at a frequency of 8e-06 in 250538 control chromosomes. The available data on variant occurrences in the general population are insufficient to allow any conclusion about variant significance. To our knowledge, no occurrence of c.1540G>A in individuals affected with Very Long Chain Acyl-CoA Dehydrogenase Deficiency and no experimental evidence demonstrating its impact on protein function have been reported. ClinVar contains an entry for this variant (Variation ID: 1330697). Based on the evidence outlined above, the variant was classified as uncertain significance.

Labcorp Genetics (formerly Invitae), Labcorp
Classification: Pathogenic for Very long chain acyl-CoA dehydrogenase deficiency. Last evaluated: 2025-03-10. Review status: criteria provided, single submitter. Criteria: Invitae Variant Classification Sherloc (09022015). Collection method: clinical testing. Allele origin: germline.
Comment: This sequence change replaces glycine, which is neutral and non-polar, with arginine, which is basic and polar, at codon 514 of the ACADVL protein (p.Gly514Arg). This variant is present in population databases (rs370282954, gnomAD 0.007%). A different variant (c.1540G>C) giving rise to the same protein effect has been determined to be pathogenic (internal data). This suggests that this variant is also likely to be causative of disease. ClinVar contains an entry for this variant (Variation ID: 1330697). Invitae Evidence Modeling of protein sequence and biophysical properties (such as structural, functional, and spatial information, amino acid conservation, physicochemical variation, residue mobility, and thermodynamic stability) indicates that this missense variant is expected to disrupt ACADVL protein function with a positive predictive value of 95%. For these reasons, this variant has been classified as Pathogenic.

ARUP Laboratories, Molecular Genetics and Genomics, ARUP Laboratories
Classification: Uncertain significance for Very long chain acyl-CoA dehydrogenase deficiency. Last evaluated: 2021-06-09. Review status: criteria provided, single submitter. Criteria: ARUP Molecular Germline Variant Investigation Process 2021. Collection method: clinical testing. Allele origin: germline.
Comment: The ACADVL c.1540G>A; p.Gly514Arg variant (rs370282954), to our knowledge, is not reported in the medical literature or gene specific databases. This variant is only observed on two alleles in the Genome Aggregation Database, indicating it is not a common polymorphism. The glycine at codon 514 is highly conserved, and computational analyses predict that this variant is deleterious (REVEL: 0.717). However, given the lack of clinical and functional data, the significance of the p.Gly514Arg variant is uncertain at this time.